The following is an entry in ClinVar:

NM_000257.4(MYH7):c.4638G>T (p.Glu1546Asp)

Genes: MHRT (myosin heavy chain associated RNA transcript; plus strand), MYH7 (myosin heavy chain 7; minus strand). Cytogenetic location: 14q11.2.
Variant type: single nucleotide variant.
Coding change: c.4638G>T on transcript NM_000257.4 (MANE Select); coding-DNA position 4638, G replaced by T.
Protein change: p.Glu1546Asp; replaces glutamic acid 1546 with aspartic acid.
Molecular consequence: missense variant.
Genome position (GRCh38, 1-based): chr14:23,416,874, C>A on the plus strand (G>T on the coding strand, the complement: MYH7 is on the minus strand). VCF-style: chr14-23416874-C-A. GRCh37 (hg19) VCF-style: chr14-23886083-C-A.
Other names: c.4638G>T, p.Glu1546Asp (NM_001407004.1); short protein forms E1546D.
Identifiers: ClinVar variation 4614649 (VCV004614649.2).

ClinVar aggregate classification (germline): Uncertain significance. Review status: criteria provided, multiple submitters, no conflicts (2 of 4 stars). 2 submissions from 2 submitters: Uncertain significance (2). Last evaluated 2025-11-19.

Conditions:
Cardiovascular phenotype. Identifiers: MedGen CN230736.
Hypertrophic cardiomyopathy. Also called: HYPERTROPHIC MYOCARDIOPATHY. Identifiers: Orphanet 217569, MedGen C0007194, MeSH D002312, MONDO:0005045, HP:0001639.

gnomAD v4.1: 5 of 1,614,200 alleles (0.00031%); highest among the groups gnomAD compares: Non-Finnish European, 0.00034%; no homozygotes.

Submissions (2):

Ambry Genetics
Classification: Uncertain significance for Cardiovascular phenotype. Last evaluated: 2025-11-19. Review status: criteria provided, single submitter. Criteria: Ambry Variant Classification Scheme 2023. Collection method: clinical testing. Allele origin: germline.
Comment: The p.E1546D variant (also known as c.4638G>T), located in coding exon 31 of the MYH7 gene, results from a G to T substitution at nucleotide position 4638. The glutamic acid at codon 1546 is replaced by aspartic acid, an amino acid with highly similar properties. This variant has been reported in the Framingham Heart Study/Jackson Heart Study cohort; however, clinical details were limited (Bick AG et al. Am J Hum Genet, 2012 Sep;91:513-9). This variant was reported in individual(s) with features consistent with dilated cardiomyopathy (DCM) (Walsh R et al. Genet Med, 2017 Feb;19:192-203). This amino acid position is highly conserved in available vertebrate species. In addition, the in silico prediction for this alteration is inconclusive. Based on the available evidence, the clinical significance of this variant remains unclear.

Labcorp Genetics (formerly Invitae), Labcorp
Classification: Uncertain significance for Hypertrophic cardiomyopathy. Last evaluated: 2025-05-19. Review status: criteria provided, single submitter. Criteria: Invitae Variant Classification Sherloc (09022015). Collection method: clinical testing. Allele origin: germline.
Comment: This sequence change replaces glutamic acid, which is acidic and polar, with aspartic acid, which is acidic and polar, at codon 1546 of the MYH7 protein (p.Glu1546Asp). This variant is not present in population databases (gnomAD no frequency). This missense change has been observed in individual(s) with dilated cardiomyopathy (PMID: 27532257). Invitae Evidence Modeling of protein sequence and biophysical properties (such as structural, functional, and spatial information, amino acid conservation, physicochemical variation, residue mobility, and thermodynamic stability) indicates that this missense variant is expected to disrupt MYH7 protein function with a positive predictive value of 95%. In summary, the available evidence is currently insufficient to determine the role of this variant in disease. Therefore, it has been classified as a Variant of Uncertain Significance.

Literature cited by the submitters: PubMed 22958901 (cited by Ambry Genetics); PubMed 27532257 (cited by Ambry Genetics and Labcorp Genetics (formerly Invitae), Labcorp).